The following is an entry in ClinVar:

ClinVar aggregate classification (germline): Likely pathogenic (1 of 4 stars; one submission).

Allele frequency attached by ClinVar (database versions not stated): gnomAD exomes below 0.00001; TOPMed 0.00001.
gnomAD v4.1: 2 of 1,599,218 alleles (0.00013%); highest among the groups gnomAD compares: Non-Finnish European, 0.00017%; no homozygotes.

Submission:

Labcorp Genetics (formerly Invitae), Labcorp
Classification: Likely pathogenic. Last evaluated: 2021-09-15. Review status: criteria provided, single submitter. Criteria: Invitae Variant Classification Sherloc (09022015). Collection method: clinical testing. Allele origin: germline.
Comment: In summary, the currently available evidence indicates that the variant is pathogenic, but additional data are needed to prove that conclusively. Therefore, this variant has been classified as Likely Pathogenic. Algorithms developed to predict the effect of sequence changes on RNA splicing suggest that this variant may disrupt the consensus splice site. This variant has not been reported in the literature in individuals affected with ATF6-related conditions. This variant is not present in population databases (ExAC no frequency). This sequence change affects a donor splice site in intron 10 of the ATF6 gene. It is expected to disrupt RNA splicing. Variants that disrupt the donor or acceptor splice site typically lead to a loss of protein function (PMID: 16199547), and loss-of-function variants in ATF6 are known to be pathogenic (PMID: 26029869, 26063662, 26070061).

Literature cited by the submitters: PubMed 16199547; PubMed 26029869; PubMed 26063662; PubMed 26070061.

NM_007348.4(ATF6):c.1319+2T>C

Gene: ATF6 (activating transcription factor 6; plus strand). Cytogenetic location: 1q23.3.
Variant type: single nucleotide variant.
Coding change: c.1319+2T>C on transcript NM_007348.4 (MANE Select); the canonical splice donor site of the intron after coding-DNA position 1319, T replaced by C.
Molecular consequence: splice donor variant.
Genome position (GRCh38, 1-based): chr1:161,846,582, T>C. VCF-style: chr1-161846582-T-C. GRCh37 (hg19) VCF-style: chr1-161816372-T-C.
Other names: c.1319+2T>C (NM_001410890.1).
Identifiers: ClinVar variation 1478992 (VCV001478992.6), dbSNP rs1686492794, ClinGen allele CA343379013.